The following is an entry in ClinVar:

NM_173689.7(CRB2):c.614+5G>A

Gene: CRB2 (crumbs cell polarity complex component 2; plus strand). Cytogenetic location: 9q33.3.
Variant type: single nucleotide variant.
Coding change: c.614+5G>A on transcript NM_173689.7 (MANE Select); 5 bases into the intron after coding-DNA position 614, G replaced by A.
Molecular consequence: intron variant.
Genome position (GRCh38, 1-based): chr9:123,366,117, G>A. VCF-style: chr9-123366117-G-A. GRCh37 (hg19) VCF-style: chr9-126128396-G-A.
Identifiers: ClinVar variation 1992840 (VCV001992840.4), dbSNP rs1371925097, ClinGen allele CA590936225.

ClinVar aggregate classification (germline): Uncertain significance (1 of 4 stars; one submission).

Allele frequency attached by ClinVar (database versions not stated): TOPMed below 0.00001; gnomAD 0.00001; gnomAD exomes 0.00001.
gnomAD v4.1: 6 of 1,438,674 alleles (0.00042%); highest among the groups gnomAD compares: South Asian, 0.0044%; no homozygotes.

Submission:

Labcorp Genetics (formerly Invitae), Labcorp
Classification: Uncertain significance. Last evaluated: 2022-10-17. Review status: criteria provided, single submitter. Criteria: Invitae Variant Classification Sherloc (09022015). Collection method: clinical testing. Allele origin: germline.
Comment: In summary, the available evidence is currently insufficient to determine the role of this variant in disease. Therefore, it has been classified as a Variant of Uncertain Significance. Variants that disrupt the consensus splice site are a relatively common cause of aberrant splicing (PMID: 17576681, 9536098). Algorithms developed to predict the effect of sequence changes on RNA splicing suggest that this variant is not likely to affect RNA splicing. This variant has not been reported in the literature in individuals affected with CRB2-related conditions. This variant is present in population databases (no rsID available, gnomAD 0.007%). This sequence change falls in intron 3 of the CRB2 gene. It does not directly change the encoded amino acid sequence of the CRB2 protein. It affects a nucleotide within the consensus splice site.

Literature cited by the submitters: PubMed 17576681; PubMed 9536098.